The following is an entry in ClinVar:

NM_001365276.2(TNXB):c.128C>T (p.Pro43Leu)

Gene: TNXB (tenascin XB; minus strand). Cytogenetic location: 6p21.33.
Variant type: single nucleotide variant.
Coding change: c.128C>T on transcript NM_001365276.2 (MANE Select); coding-DNA position 128, C replaced by T.
Protein change: p.Pro43Leu; replaces proline 43 with leucine.
Molecular consequence: missense variant.
Genome position (GRCh38, 1-based): chr6:32,098,071, G>A on the plus strand (C>T on the coding strand, the complement: TNXB is on the minus strand). VCF-style: chr6-32098071-G-A. GRCh37 (hg19) VCF-style: chr6-32065848-G-A.
Other names: c.128C>T, p.Pro43Leu (NM_019105.8); short protein forms P43L.
Identifiers: ClinVar variation 1769063 (VCV001769063.2), dbSNP rs749808879, ClinGen allele CA3735901.
Genomic context (GRCh38, chr6:32,098,071, plus strand): 5'-GTGTGCTCGTAAAGCTGAGAAGAGGGGCTTCCCACTCCAGCCCCCACTGTGTGGCCCCCT[G>A]GCTGGGGAGGGGGCCGGGGGGCTGGCAGTGTCACATTGGACCGTGAAGAGAAGGGGCCTG-3'
Protein context (NP_001352205.1, residues 33-53): TLPAPRPPPQ[Pro43Leu]GGHTVGAGVG

ClinVar aggregate classification (germline): Uncertain significance (1 of 4 stars; one submission).

Conditions:
Cardiovascular phenotype. Identifiers: MedGen CN230736.

Allele frequency attached by ClinVar (database versions not stated): gnomAD 0.00001; TOPMed 0.00002; ExAC 0.00003.

Submission:

Ambry Genetics
Classification: Uncertain significance for Cardiovascular phenotype. Last evaluated: 2023-12-31. Review status: criteria provided, single submitter. Criteria: Ambry Variant Classification Scheme 2023. Collection method: clinical testing. Allele origin: germline.
Comment: The p.P43L variant (also known as c.128C>T), located in coding exon 1 of the TNXB gene, results from a C to T substitution at nucleotide position 128. The proline at codon 43 is replaced by leucine, an amino acid with similar properties. This amino acid position is conserved. In addition, the in silico prediction for this alteration is inconclusive. Since supporting evidence is limited at this time, the clinical significance of this alteration remains unclear.